The following is an entry in ClinVar:

NM_015215.4(CAMTA1):c.1692C>T (p.Ala564=)

Gene: CAMTA1 (calmodulin binding transcription activator 1; plus strand). Cytogenetic location: 1p36.23.
Variant type: single nucleotide variant.
Coding change: c.1692C>T on transcript NM_015215.4 (MANE Select); coding-DNA position 1692, C replaced by T.
Protein change: p.Ala564=; no amino-acid change (alanine 564 retained).
Molecular consequence: synonymous variant.
Genome position (GRCh38, 1-based): chr1:7,664,239, C>T. VCF-style: chr1-7664239-C-T. GRCh37 (hg19) VCF-style: chr1-7724299-C-T.
Other names: c.1602C>T, p.Ala534= (NM_001349608.2, NM_001349612.2); c.1692C>T, p.Ala564= (NM_001349609.2, NM_001349610.2, NM_001410737.1); c.1620C>T, p.Ala540= (NM_001410738.1).
Identifiers: ClinVar variation 2638134 (VCV002638134.26), dbSNP rs745661955, ClinGen allele CA566492.

ClinVar aggregate classification (germline): Likely benign. Review status: criteria provided, multiple submitters, no conflicts (2 of 4 stars). 3 submissions from 3 submitters: Likely benign (3). Last evaluated 2025-04-27.

Allele frequency attached by ClinVar (database versions not stated): gnomAD 0.00001; TOPMed 0.00001; ExAC 0.00003.
gnomAD v4.1: 15 of 1,612,552 alleles (0.00093%); highest among the groups gnomAD compares: Middle Eastern, 0.016%; no homozygotes.

Submissions (3):

Labcorp Genetics (formerly Invitae), Labcorp
Classification: Likely benign. Last evaluated: 2025-04-27. Review status: criteria provided, single submitter. Criteria: Invitae Variant Classification Sherloc (09022015). Collection method: clinical testing. Allele origin: germline.

Blueprint Genetics
Classification: Likely benign. Last evaluated: 2024-04-26. Review status: criteria provided, single submitter. Criteria: ACMG Guidelines, 2015. Collection method: clinical testing. Allele origin: germline.

CeGaT Center for Human Genetics Tuebingen
Classification: Likely benign. Last evaluated: 2023-09-01. Review status: criteria provided, single submitter. Criteria: CeGaT Center For Human Genetics Tuebingen Variant Classification Criteria Version 2. Collection method: clinical testing. Allele origin: germline. Affected: yes. Observed: 1 variant allele.
Comment: CAMTA1: BP4, BP7